The following is an entry in ClinVar:

ClinVar aggregate classification (germline): Uncertain significance (1 of 4 stars; one submission).

Conditions:
Hereditary nonpolyposis colorectal neoplasms. Identifiers: MedGen C0009405, MeSH D003123.

Submission:

Labcorp Genetics (formerly Invitae), Labcorp
Classification: Uncertain significance for Hereditary nonpolyposis colorectal neoplasms. Last evaluated: 2024-12-24. Review status: criteria provided, single submitter. Criteria: Invitae Variant Classification Sherloc (09022015). Collection method: clinical testing. Allele origin: germline.
Comment: This sequence change replaces isoleucine, which is neutral and non-polar, with threonine, which is neutral and polar, at codon 292 of the PMS2 protein (p.Ile292Thr). This variant is not present in population databases (gnomAD no frequency). This variant has not been reported in the literature in individuals affected with PMS2-related conditions. Invitae Evidence Modeling incorporating data from in vitro experimental studies (internal data) indicates that this missense variant is not expected to disrupt PMS2 function with a negative predictive value of 95%. In summary, the available evidence is currently insufficient to determine the role of this variant in disease. Therefore, it has been classified as a Variant of Uncertain Significance.

NM_000535.7(PMS2):c.875T>C (p.Ile292Thr)

Gene: PMS2 (PMS1 homolog 2, mismatch repair system component; minus strand). Cytogenetic location: 7p22.1.
Variant type: single nucleotide variant.
Coding change: c.875T>C on transcript NM_000535.7 (MANE Select); coding-DNA position 875, T replaced by C.
Protein change: p.Ile292Thr; replaces isoleucine 292 with threonine.
Molecular consequence: missense variant. On other transcripts: non-coding transcript variant (1), intron variant (4), 5 prime UTR variant (2).
Genome position (GRCh38, 1-based): chr7:5,995,562, A>G on the plus strand (T>C on the coding strand, the complement: PMS2 is on the minus strand). VCF-style: chr7-5995562-A-G. GRCh37 (hg19) VCF-style: chr7-6035193-A-G.
Other names: c.566T>C, p.Ile189Thr (NM_001322015.2, NM_001406875.1, NM_001406877.1 and 6 more transcripts); c.1061T>C, p.Ile354Thr (NM_001406866.1); c.899T>C, p.Ile300Thr (NM_001406868.1); c.767T>C, p.Ile256Thr (NM_001406869.1); c.875T>C, p.Ile292Thr (NM_001406870.1, NM_001406871.1, NM_001406872.1 and 2 more transcripts); c.707T>C, p.Ile236Thr (NM_001406874.1, NM_001406884.1); c.470T>C, p.Ile157Thr (NM_001406887.1, NM_001406888.1, NM_001406889.1 and 19 more transcripts); c.302T>C, p.Ile101Thr (NM_001406909.1, NM_001322013.2); and 8 more; short protein forms I121T, I186T, I189T, I236T, I256T, I101T, I157T, I180T.
Identifiers: ClinVar variation 3671326 (VCV003671326.2).